The following is an entry in ClinVar:

NM_014795.4(ZEB2):c.3563A>C (p.His1188Pro)

Gene: ZEB2 (zinc finger E-box binding homeobox 2; minus strand). Cytogenetic location: 2q22.3.
Variant type: single nucleotide variant.
Coding change: c.3563A>C on transcript NM_014795.4 (MANE Select); coding-DNA position 3563, A replaced by C.
Protein change: p.His1188Pro; replaces histidine 1188 with proline.
Molecular consequence: missense variant.
Genome position (GRCh38, 1-based): chr2:144,389,533, T>G on the plus strand (A>C on the coding strand, the complement: ZEB2 is on the minus strand). VCF-style: chr2-144389533-T-G. GRCh37 (hg19) VCF-style: chr2-145147100-T-G.
Other names: c.3491A>C, p.His1164Pro (NM_001171653.2); short protein forms H1164P, H1188P.
Identifiers: ClinVar variation 3368127 (VCV003368127.1).

ClinVar aggregate classification (germline): Uncertain significance (1 of 4 stars; one submission).

Submission:

GeneDx
Classification: Uncertain significance. Last evaluated: 2024-01-22. Review status: criteria provided, single submitter. Criteria: GeneDx Variant Classification Process June 2021. Collection method: clinical testing. Allele origin: germline. Affected: yes.
Comment: Not observed at significant frequency in large population cohorts (gnomAD); In silico analysis supports that this missense variant does not alter protein structure/function; Has not been previously published as pathogenic or benign to our knowledge